The following is an entry in ClinVar:

NM_001267550.2(TTN):c.8560C>T (p.Gln2854Ter)

Gene: TTN (titin; minus strand). Cytogenetic location: 2q31.2.
Variant type: single nucleotide variant.
Coding change: c.8560C>T on transcript NM_001267550.2 (MANE Select); coding-DNA position 8560, C replaced by T.
Protein change: p.Gln2854Ter; replaces glutamine 2854 with a stop codon.
Molecular consequence: nonsense.
Genome position (GRCh38, 1-based): chr2:178,770,141, G>A on the plus strand (C>T on the coding strand, the complement: TTN is on the minus strand). VCF-style: chr2-178770141-G-A. GRCh37 (hg19) VCF-style: chr2-179634868-G-A.
Other names: c.8560C>T, p.Gln2854Ter (NM_001256850.1, NM_133378.4, NM_133379.5); c.8422C>T, p.Gln2808Ter (NM_003319.4, NM_133432.3, NM_133437.4); short protein forms Q2808*, Q2854*.
Identifiers: ClinVar variation 3757605 (VCV003757605.2).
Genomic context (GRCh38, chr2:178,770,141, plus strand): 5'-TGCATTCCAATTGCCCGACCACAGCTGTGTATTCCCCAGCATCTGAGGGGGAGATGTTCT[G>A]CAGCATCAGCTTGTGGACTTTCCTTTCTGAGACCAGTCTGTGTTTGTCACTTGGCTTAAT-3'

ClinVar aggregate classification (germline): Likely pathogenic (1 of 4 stars; one submission).

Conditions:
Dilated cardiomyopathy 1G (CMD1G). Identifiers: Orphanet 154, MedGen C1858763, MONDO:0011400, OMIM 604145.
Autosomal recessive limb-girdle muscular dystrophy type 2J (LGMDR10). Also called: Limb-girdle muscular dystrophy, type 2J; MUSCULAR DYSTROPHY, LIMB-GIRDLE, AUTOSOMAL RECESSIVE 10. Identifiers: Orphanet 140922, MedGen C1837342, MONDO:0012127, OMIM 608807.

Submission:

Labcorp Genetics (formerly Invitae), Labcorp
Classification: Likely pathogenic for Dilated cardiomyopathy 1G; Autosomal recessive limb-girdle muscular dystrophy type 2J. Last evaluated: 2024-08-08. Review status: criteria provided, single submitter. Criteria: Invitae Variant Classification Sherloc (09022015). Collection method: clinical testing. Allele origin: germline.
Comment: This sequence change creates a premature translational stop signal (p.Gln2854*) in the TTN gene. While this is not anticipated to result in nonsense mediated decay, it is expected to create a truncated TTN protein. This variant is not present in population databases (gnomAD no frequency). This variant has not been reported in the literature in individuals affected with TTN-related conditions. This variant is located in the I band of TTN (PMID: 25589632). Truncating variants in this region have been reported in individuals affected with autosomal recessive centronuclear myopathy (PMID: 23975875, Invitae internal data). Truncating variants in this region have also been identified in individuals affected with autosomal dominant dilated cardiomyopathy and/or cardio-related conditions (PMID: 27869827, 32964742, Invitae internal data). In summary, the currently available evidence indicates that the variant is pathogenic, but additional data are needed to prove that conclusively. Therefore, this variant has been classified as Likely Pathogenic.

Literature cited by the submitters: PubMed 25589632; PubMed 23975875; PubMed 27869827; PubMed 32964742.